The following is an entry in ClinVar:

ClinVar aggregate classification (germline): Uncertain significance (1 of 4 stars; one submission).

Conditions:
Norman-Roberts syndrome (LIS2). Also called: Lissencephaly 2 (Norman-Roberts type). Identifiers: Orphanet 89844, MedGen C0796089, MONDO:0009760, OMIM 257320.
Familial temporal lobe epilepsy 7. Identifiers: Orphanet 101046, MedGen C4225327, MONDO:0014639, OMIM 616436.

Submission:

Labcorp Genetics (formerly Invitae), Labcorp
Classification: Uncertain significance for Familial temporal lobe epilepsy 7; Norman-Roberts syndrome. Last evaluated: 2022-07-13. Review status: criteria provided, single submitter. Criteria: Invitae Variant Classification Sherloc (09022015). Collection method: clinical testing. Allele origin: germline.
Comment: Algorithms developed to predict the effect of missense changes on protein structure and function are either unavailable or do not agree on the potential impact of this missense change (SIFT: "Deleterious"; PolyPhen-2: "Probably Damaging"; Align-GVGD: "Class C0"). In summary, the available evidence is currently insufficient to determine the role of this variant in disease. Therefore, it has been classified as a Variant of Uncertain Significance. This variant has not been reported in the literature in individuals affected with RELN-related conditions. This variant is not present in population databases (gnomAD no frequency). This sequence change replaces glycine, which is neutral and non-polar, with alanine, which is neutral and non-polar, at codon 2188 of the RELN protein (p.Gly2188Ala).

NM_005045.4(RELN):c.6563G>C (p.Gly2188Ala)

Gene: RELN (reelin; minus strand). Cytogenetic location: 7q22.1.
Variant type: single nucleotide variant.
Coding change: c.6563G>C on transcript NM_005045.4 (MANE Select); coding-DNA position 6563, G replaced by C.
Protein change: p.Gly2188Ala; replaces glycine 2188 with alanine.
Molecular consequence: missense variant.
Genome position (GRCh38, 1-based): chr7:103,542,839, C>G on the plus strand (G>C on the coding strand, the complement: RELN is on the minus strand). VCF-style: chr7-103542839-C-G. GRCh37 (hg19) VCF-style: chr7-103183286-C-G.
Other names: c.6563G>C, p.Gly2188Ala (NM_173054.3); short protein forms G2188A.
Identifiers: ClinVar variation 2016763 (VCV002016763.4), dbSNP rs2484793555, ClinGen allele CA368770552.